The following is an entry in ClinVar:

ClinVar aggregate classification (germline): Conflicting classifications of pathogenicity. Review status: criteria provided, conflicting classifications (1 of 4 stars). 2 submissions from 2 submitters: Pathogenic (1); Uncertain significance (1). Last evaluated 2025-09-10.

Conditions:
Karyomegalic interstitial nephritis. Identifiers: Orphanet 401996, MedGen C3553774, MONDO:0013898, OMIM 614817.

Submissions (2):

Labcorp Genetics (formerly Invitae), Labcorp
Classification: Pathogenic. Last evaluated: 2025-09-10. Review status: criteria provided, single submitter. Criteria: Invitae Variant Classification Sherloc (09022015). Collection method: clinical testing. Allele origin: germline.
Comment: This sequence change creates a premature translational stop signal (p.Arg12Lysfs*4) in the FAN1 gene. It is expected to result in an absent or disrupted protein product. Loss-of-function variants in FAN1 are known to be pathogenic (PMID: 22772369). This variant is present in population databases (rs752820596, gnomAD 0.03%). This variant has not been reported in the literature in individuals affected with FAN1-related conditions. ClinVar contains an entry for this variant (Variation ID: 2167436). For these reasons, this variant has been classified as Pathogenic.

Fulgent Genetics
Classification: Uncertain significance for Karyomegalic interstitial nephritis. Last evaluated: 2024-05-22. Review status: criteria provided, single submitter. Criteria: ACMG Guidelines, 2015. Collection method: clinical testing. Allele origin: germline.

Literature cited by the submitters: PubMed 22772369 (cited by Labcorp Genetics (formerly Invitae), Labcorp).

NM_014967.5(FAN1):c.34dup (p.Arg12fs)

Gene: FAN1 (FANCD2 and FANCI associated nuclease 1; plus strand). Cytogenetic location: 15q13.3.
Variant type: Duplication.
Coding change: c.34dup on transcript NM_014967.5 (MANE Select); coding-DNA position 34, one base duplicated (A; older notation c.34dupA).
Protein change: p.Arg12fs; shifts the reading frame from arginine 12.
Molecular consequence: frameshift variant.
Genome position (GRCh38, 1-based): chr15:30,904,697, A duplicated; the last of 7 consecutive A bases (chr15:30,904,691-30,904,697); duplicating any one gives the same sequence. VCF-style (leftmost placement, unchanged base first): chr15-30904690-C-CA. GRCh37 (hg19) VCF-style: chr15-31196893-C-CA.
Other names: c.34dup, p.Arg12fs (NM_001146094.2, NM_001146095.1, NM_001146096.2); short protein forms R12fs.
Identifiers: ClinVar variation 2167436 (VCV002167436.5), dbSNP rs752820596, ClinGen allele CA7449959.